The following is an entry in ClinVar:

ClinVar aggregate classification (germline): Pathogenic. Review status: criteria provided, multiple submitters, no conflicts (2 of 4 stars). 3 submissions from 3 submitters: Pathogenic (3). Last evaluated 2025-08-16.

Conditions:
Seizure. Also called: Seizures. Identifiers: MedGen C0036572, HP:0001250.
Early-infantile DEE. Also called: Early infantile epileptic encephalopathy; Early infantile epileptic encephalopathy with suppression bursts; Ohtahara syndrome. Identifiers: Orphanet 1934, MedGen C0393706, MONDO:0800491.

Submissions (3):

GeneDx
Classification: Pathogenic. Last evaluated: 2025-08-16. Review status: criteria provided, single submitter. Criteria: GeneDx Variant Classification Process June 2021. Collection method: clinical testing. Allele origin: germline. Affected: yes.
Comment: Nonsense variant predicted to result in protein truncation or nonsense mediated decay in a gene for which loss of function is a known mechanism of disease; Identified in a newborn with seizures in published literature (PMID: 33098118); Not observed at significant frequency in large population cohorts (gnomAD); This variant is associated with the following publications: (PMID: 33098118)

Labcorp Genetics (formerly Invitae), Labcorp
Classification: Pathogenic for Early-infantile DEE. Last evaluated: 2025-06-01. Review status: criteria provided, single submitter. Criteria: Invitae Variant Classification Sherloc (09022015). Collection method: clinical testing. Allele origin: germline.
Comment: This sequence change creates a premature translational stop signal (p.Gln78*) in the KCNQ2 gene. It is expected to result in an absent or disrupted protein product. Loss-of-function variants in KCNQ2 are known to be pathogenic (PMID: 14534157, 23692823, 27779742). This variant is not present in population databases (gnomAD no frequency). This premature translational stop signal has been observed in individual(s) with neonatal epilepsy (PMID: 33098118). ClinVar contains an entry for this variant (Variation ID: 933133). For these reasons, this variant has been classified as Pathogenic.

Cytogénomique, Hospices Civils de Lyon
Classification: Pathogenic for Seizure. Last evaluated: 2020-05-25. Review status: criteria provided, single submitter. Criteria: ACMG Guidelines, 2015. Collection method: clinical testing. Allele origin: unknown. Inheritance: Sporadic. Affected: yes.
Comment: Truncating variant absent from gnomAD.

Literature cited by the submitters: PubMed 14534157 (cited by Labcorp Genetics (formerly Invitae), Labcorp); PubMed 23692823 (cited by Labcorp Genetics (formerly Invitae), Labcorp); PubMed 27779742 (cited by Labcorp Genetics (formerly Invitae), Labcorp); PubMed 33098118 (cited by Labcorp Genetics (formerly Invitae), Labcorp).

NM_172107.4(KCNQ2):c.232C>T (p.Gln78Ter)

Gene: KCNQ2 (potassium voltage-gated channel subfamily Q member 2; minus strand). Cytogenetic location: 20q13.33.
Variant type: single nucleotide variant.
Coding change: c.232C>T on transcript NM_172107.4 (MANE Select); coding-DNA position 232, C replaced by T.
Protein change: p.Gln78Ter; replaces glutamine 78 with a stop codon.
Molecular consequence: nonsense.
Genome position (GRCh38, 1-based): chr20:63,472,232, G>A on the plus strand (C>T on the coding strand, the complement: KCNQ2 is on the minus strand). VCF-style: chr20-63472232-G-A. GRCh37 (hg19) VCF-style: chr20-62103585-G-A.
Other names: c.232C>T, p.Gln78Ter (NM_001382235.1, NM_004518.6, NM_172106.3 and 2 more transcripts); short protein forms Q78*.
Identifiers: ClinVar variation 933133 (VCV000933133.9), dbSNP rs867848081, ClinGen allele CA409635114.